The following is an entry in ClinVar:

NM_001365925.2(NLGN1):c.262C>T (p.Pro88Ser)

Gene: NLGN1 (neuroligin 1; plus strand). Cytogenetic location: 3q26.31.
Variant type: single nucleotide variant.
Coding change: c.262C>T on transcript NM_001365925.2 (MANE Select); coding-DNA position 262, C replaced by T.
Protein change: p.Pro88Ser; replaces proline 88 with serine.
Molecular consequence: missense variant.
Genome position (GRCh38, 1-based): chr3:173,604,860, C>T. VCF-style: chr3-173604860-C-T. GRCh37 (hg19) VCF-style: chr3-173322650-C-T.
Other names: c.262C>T, p.Pro88Ser (NM_001365923.2, NM_001365924.2, NM_001365926.2 and 11 more transcripts); short protein forms P88S.
Identifiers: ClinVar variation 1334628 (VCV001334628.4), dbSNP rs780824820, ClinGen allele CA355541125.

ClinVar aggregate classification (germline): Uncertain significance (1 of 4 stars; one submission).

Submission:

Greenwood Genetic Center Diagnostic Laboratories, Greenwood Genetic Center
Classification: Uncertain significance. Last evaluated: 2021-06-09. Review status: criteria provided, single submitter. Criteria: ACMG Guidelines, 2015. Collection method: clinical testing. Allele origin: germline. Affected: yes.
Comment: PP3, PM2